The following is an entry in ClinVar:

NM_004519.4(KCNQ3):c.*2137C>T

Gene: KCNQ3 (potassium voltage-gated channel subfamily Q member 3; minus strand). Cytogenetic location: 8q24.22.
Variant type: single nucleotide variant.
Coding change: c.*2137C>T on transcript NM_004519.4 (MANE Select); 2137 bases downstream of the stop codon, C replaced by T.
Molecular consequence: 3 prime UTR variant.
Genome position (GRCh38, 1-based): chr8:132,127,125, G>A on the plus strand (C>T on the coding strand, the complement: KCNQ3 is on the minus strand). VCF-style: chr8-132127125-G-A. GRCh37 (hg19) VCF-style: chr8-133139372-G-A.
Other names: c.*2137C>T (NM_001204824.2).
Identifiers: ClinVar variation 361843 (VCV000361843.7), dbSNP rs2272679, ClinGen allele CA10630206.
Genomic context (GRCh38, chr8:132,127,125, plus strand): 5'-GATTCAATAATCAAGCCCTCAGGAAGGGGCATAGGGTTTCTTAGGTTGTAATCCCCACTG[G>A]CACTTTCAGCCATATTGAAGGAGTGGGGAAAAGGCCCAAATAACCCATGCCCTTTGTCCT-3'

ClinVar aggregate classification (germline): Benign. Review status: criteria provided, multiple submitters, no conflicts (2 of 4 stars). 2 submissions from 2 submitters: Benign (2). Last evaluated 2018-01-12.

Conditions:
Seizures, benign familial neonatal, 2. Also called: CONVULSIONS, BENIGN FAMILIAL NEONATAL, 2; KCNQ3-Related Self-Limited Familial Neonatal Epilepsy (SLFNE); Benign Neonatal Epilepsy 2; KCNQ3-Related Benign Familial Neonatal Epilepsy; Seizures, benign neonatal, 2. Identifiers: Orphanet 1949, MedGen C1852581, MONDO:0007366, OMIM 121201.

Allele frequency attached by ClinVar (database versions not stated): gnomAD 0.08712 and 0.08552; 1000 Genomes Project 30x 0.09697; 1000 Genomes Project 0.09665; TOPMed 0.10180.

Submissions (2):

Illumina Laboratory Services, Illumina
Classification: Benign for Seizures, benign familial neonatal, 2. Last evaluated: 2018-01-12. Review status: criteria provided, single submitter. Criteria: ICSL Variant Classification Criteria 13 December 2019. Collection method: clinical testing. Allele origin: germline.
Comment: This variant was observed in the ICSL laboratory as part of a predisposition screen in an ostensibly healthy population. It had not been previously curated by ICSL or reported in the Human Gene Mutation Database (HGMD: prior to June 1st, 2018), and was therefore a candidate for classification through an automated scoring system. Utilizing variant allele frequency, disease prevalence and penetrance estimates, and inheritance mode, an automated score was calculated to assess if this variant is too frequent to cause the disease. Based on the score and internal cut-off values, a variant classified as benign is not then subjected to further curation. The score for this variant resulted in a classification of benign for this disease.

Breakthrough Genomics
Classification: Benign. Review status: criteria provided, single submitter. Criteria: ACMG Guidelines, 2015. Collection method: not provided. Allele origin: germline. Inheritance: Autosomal dominant inheritance. Affected: yes.